The following is an entry in ClinVar:

NM_005228.5(EGFR):c.928G>A (p.Ala310Thr)

Gene: EGFR (epidermal growth factor receptor; plus strand). Cytogenetic location: 7p11.2.
Variant type: single nucleotide variant.
Coding change: c.928G>A on transcript NM_005228.5 (MANE Select); coding-DNA position 928, G replaced by A.
Protein change: p.Ala310Thr; replaces alanine 310 with threonine.
Molecular consequence: missense variant.
Genome position (GRCh38, 1-based): chr7:55,155,868, G>A. VCF-style: chr7-55155868-G-A. GRCh37 (hg19) VCF-style: chr7-55223561-G-A.
Other names: c.793G>A, p.Ala265Thr (NM_001346897.2, NM_001346899.2); c.928G>A, p.Ala310Thr (NM_001346898.2, NM_201282.2, NM_201283.2 and 1 more transcripts); c.769G>A, p.Ala257Thr (NM_001346900.2); c.127G>A, p.Ala43Thr (NM_001346941.2); short protein forms A257T, A265T, A310T, A43T.
Identifiers: ClinVar variation 4870244 (VCV004870244.1).

ClinVar aggregate classification (germline): Uncertain significance (1 of 4 stars; one submission).

Conditions:
Hereditary cancer-predisposing syndrome. Also called: Neoplastic Syndromes, Hereditary; Tumor predisposition; Hereditary Cancer Syndrome; Hereditary neoplastic syndrome. Identifiers: Orphanet 140162, MedGen C0027672, MeSH D009386, MONDO:0015356.

Submission:

Ambry Genetics
Classification: Uncertain significance for Hereditary cancer-predisposing syndrome. Last evaluated: 2026-04-12. Review status: criteria provided, single submitter. Criteria: Ambry Variant Classification Scheme 2023. Collection method: clinical testing. Allele origin: germline.
Comment: The p.A310T variant (also known as c.928G>A), located in coding exon 8 of the EGFR gene, results from a G to A substitution at nucleotide position 928. The alanine at codon 310 is replaced by threonine, an amino acid with similar properties. This amino acid position is conserved. In addition, this alteration is predicted to be tolerated by in silico analysis. Based on the available evidence, the clinical significance of this variant remains unclear.